The following is an entry in ClinVar:

ClinVar aggregate classification (germline): Uncertain significance (1 of 4 stars; one submission).

Allele frequency attached by ClinVar (database versions not stated): gnomAD exomes below 0.00001; TOPMed below 0.00001.
gnomAD v4.1: 2 of 1,613,572 alleles (0.00012%); highest among the groups gnomAD compares: African/African-American, 0.0013%; no homozygotes.

Submission:

Ambry Genetics
Classification: Uncertain significance. Last evaluated: 2022-01-13. Review status: criteria provided, single submitter. Criteria: Ambry Variant Classification Scheme 2023. Collection method: clinical testing. Allele origin: germline.
Comment: The p.N2055D variant (also known as c.6163A>G), located in coding exon 19 of the POLQ gene, results from an A to G substitution at nucleotide position 6163. The asparagine at codon 2055 is replaced by aspartic acid, an amino acid with highly similar properties. This amino acid position is conserved. In addition, this alteration is predicted to be tolerated by in silico analysis. Since supporting evidence is limited at this time, the clinical significance of this alteration remains unclear.

NM_199420.4(POLQ):c.6163A>G (p.Asn2055Asp)

Gene: POLQ (DNA polymerase theta; minus strand). Cytogenetic location: 3q13.33.
Variant type: single nucleotide variant.
Coding change: c.6163A>G on transcript NM_199420.4 (MANE Select); coding-DNA position 6163, A replaced by G.
Protein change: p.Asn2055Asp; replaces asparagine 2055 with aspartic acid.
Molecular consequence: missense variant.
Genome position (GRCh38, 1-based): chr3:121,481,620, T>C on the plus strand (A>G on the coding strand, the complement: POLQ is on the minus strand). VCF-style: chr3-121481620-T-C. GRCh37 (hg19) VCF-style: chr3-121200467-T-C.
Other names: short protein forms N2055D.
Identifiers: ClinVar variation 1751964 (VCV001751964.2), dbSNP rs2047970879, ClinGen allele CA354087696.
Genomic context (GRCh38, chr3:121,481,620, plus strand): 5'-CTTGGTTTTTACCTTGAAGGTTTTCCTTCTGCAACAAAGAGTTGAGCTGATTCATAGAGT[T>C]GAAGATGAGAATGGACTCCACAGATGCTCTGTATCGCCCAGAATGCTCACTGCCAGCATT-3'
Protein context (NP_955452.3, residues 2045-2065): RASVESILIF[Asn2055Asp]SMNQLNSLLQ